The following is an entry in ClinVar:

ClinVar aggregate classification (germline): Uncertain significance. Review status: criteria provided, multiple submitters, no conflicts (2 of 4 stars). 2 submissions from 2 submitters: Uncertain significance (2). Last evaluated 2025-10-07.

Conditions:
Inborn genetic diseases. Identifiers: MedGen C0950123, MeSH D030342.

Allele frequency attached by ClinVar (database versions not stated): TOPMed 0.00002.
gnomAD v4.1: 1 of 1,612,800 alleles (0.000062%); highest among the groups gnomAD compares: African/African-American, 0.0013%; no homozygotes.

Submissions (2):

Ambry Genetics
Classification: Uncertain significance for Inborn genetic diseases. Last evaluated: 2025-10-07. Review status: criteria provided, single submitter. Criteria: Ambry Variant Classification Scheme 2023. Collection method: clinical testing. Allele origin: germline.

Laboratory for Molecular Medicine, Mass General Brigham Personalized Medicine
Classification: Uncertain significance. Last evaluated: 2014-07-16. Review status: criteria provided, single submitter. Criteria: LMM Criteria. Collection method: clinical testing. Allele origin: germline. Observed: 1 variant allele.
Comment: The Arg1388Leu variant in TECTA has not been previously reported in individuals with hearing loss and was absent from large population studies. Computational pr ediction tools and conservation analyses do not provide strong support for or ag ainst an impact to the protein. In summary, additional information is needed to fully assess the clinical significance of this variant.

NM_005422.4(TECTA):c.4163G>T (p.Arg1388Leu)

Genes: TBCEL-TECTA (TBCEL-TECTA readthrough; plus strand), TECTA (tectorin alpha; plus strand). Cytogenetic location: 11q23.3.
Variant type: single nucleotide variant.
Coding change: c.4163G>T on transcript NM_005422.4 (MANE Select); coding-DNA position 4163, G replaced by T.
Protein change: p.Arg1388Leu; replaces arginine 1388 with leucine.
Molecular consequence: missense variant.
Genome position (GRCh38, 1-based): chr11:121,152,938, G>T. VCF-style: chr11-121152938-G-T. GRCh37 (hg19) VCF-style: chr11-121023647-G-T.
Other names: c.5120G>T, p.Arg1707Leu (NM_001378761.1); short protein forms R1388L, R1707L.
Identifiers: ClinVar variation 179847 (VCV000179847.6), dbSNP rs150016625, ClinGen allele CA185258.